The following is an entry in ClinVar:

NM_033026.6(PCLO):c.6212G>C (p.Arg2071Thr)

Gene: PCLO (piccolo presynaptic cytomatrix protein; minus strand). Cytogenetic location: 7q21.11.
Variant type: single nucleotide variant.
Coding change: c.6212G>C on transcript NM_033026.6 (MANE Select); coding-DNA position 6212, G replaced by C.
Protein change: p.Arg2071Thr; replaces arginine 2071 with threonine.
Molecular consequence: missense variant.
Genome position (GRCh38, 1-based): chr7:82,954,741, C>G on the plus strand (G>C on the coding strand, the complement: PCLO is on the minus strand). VCF-style: chr7-82954741-C-G. GRCh37 (hg19) VCF-style: chr7-82584057-C-G.
Other names: c.6212G>C, p.Arg2071Thr (NM_014510.3); c.6212G>C (NM_033026.5); short protein forms R2071T.
Identifiers: ClinVar variation 1967984 (VCV001967984.6), dbSNP rs2535703532, ClinGen allele CA367920260.

ClinVar aggregate classification (germline): Uncertain significance. Review status: criteria provided, multiple submitters, no conflicts (2 of 4 stars). 2 submissions from 2 submitters: Uncertain significance (2). Last evaluated 2023-11-13.

Conditions:
Inborn genetic diseases. Identifiers: MedGen C0950123, MeSH D030342.

gnomAD v4.1: 1 of 1,613,784 alleles (0.000062%); no homozygotes.

Submissions (2):

Ambry Genetics
Classification: Uncertain significance for Inborn genetic diseases. Last evaluated: 2023-11-13. Review status: criteria provided, single submitter. Criteria: Ambry Variant Classification Scheme 2023. Collection method: clinical testing. Allele origin: germline.

Labcorp Genetics (formerly Invitae), Labcorp
Classification: Uncertain significance. Last evaluated: 2022-08-03. Review status: criteria provided, single submitter. Criteria: Invitae Variant Classification Sherloc (09022015). Collection method: clinical testing. Allele origin: germline.
Comment: In summary, the available evidence is currently insufficient to determine the role of this variant in disease. Therefore, it has been classified as a Variant of Uncertain Significance. Algorithms developed to predict the effect of missense changes on protein structure and function are either unavailable or do not agree on the potential impact of this missense change (SIFT: "Tolerated"; PolyPhen-2: "Not Available"; Align-GVGD: "Class C0"). This variant has not been reported in the literature in individuals affected with PCLO-related conditions. This variant is not present in population databases (gnomAD no frequency). This sequence change replaces arginine, which is basic and polar, with threonine, which is neutral and polar, at codon 2071 of the PCLO protein (p.Arg2071Thr).